The following is an entry in ClinVar:

ClinVar aggregate classification (germline): Uncertain significance (1 of 4 stars; one submission).

Conditions:
Breast-ovarian cancer, familial, susceptibility to, 1 (BROVCA1). Also called: BRCA1 Hereditary Breast and Ovarian Cancer; OVARIAN CANCER, SUSCEPTIBILITY TO. Identifiers: Orphanet 145, MedGen C2676676, MONDO:0011450, OMIM 604370. Disease mechanism: loss of function.

Submission:

All of Us Research Program, National Institutes of Health
Classification: Uncertain significance for Breast-ovarian cancer, familial, susceptibility to, 1. Last evaluated: 2023-08-28. Review status: criteria provided, single submitter. Criteria: ACMG Guidelines, 2015. Collection method: clinical testing. Allele origin: germline. Inheritance: Autosomal dominant inheritance. Observed: 1 variant allele, 1 heterozygote.
Comment: This missense variant replaces proline with leucine at codon 1585 of the BRCA1 protein. Computational prediction suggests that this variant may not impact protein structure and function (internally defined REVEL score threshold <= 0.5, PMID: 27666373). To our knowledge, functional studies have not been reported for this variant. This variant has not been reported in individuals affected with BRCA1-related disorders in the literature. This variant has not been identified in the general population by the Genome Aggregation Database (gnomAD). The available evidence is insufficient to determine the role of this variant in disease conclusively. Therefore, this variant is classified as a Variant of Uncertain Significance.

This study involves interpretation of variants in research participants for the purpose of population health screening. Participant phenotype was not available at the time of variant classification. Additional details can be found in publication PMID: 35346344, PMCID: PMC8962531

NM_007294.4(BRCA1):c.4754C>T (p.Pro1585Leu)

Gene: BRCA1 (BRCA1 DNA repair associated; minus strand). Cytogenetic location: 17q21.31.
Variant type: single nucleotide variant.
Coding change: c.4754C>T on transcript NM_007294.4 (MANE Select); coding-DNA position 4754, C replaced by T.
Protein change: p.Pro1585Leu; replaces proline 1585 with leucine.
Molecular consequence: missense variant. On other transcripts: intron variant (1).
Genome position (GRCh38, 1-based): chr17:43,071,160, G>A on the plus strand (C>T on the coding strand, the complement: BRCA1 is on the minus strand). VCF-style: chr17-43071160-G-A. GRCh37 (hg19) VCF-style: chr17-41223177-G-A.
Other names: c.4541C>T, p.Pro1514Leu (NM_001407571.1, NM_001407906.1, NM_001407907.1 and 12 more transcripts); c.4820C>T, p.Pro1607Leu (NM_001407581.1, NM_001407582.1); c.4817C>T, p.Pro1606Leu (NM_001407583.1, NM_001407585.1, NM_001407587.1 and 1 more transcripts); c.4814C>T, p.Pro1605Leu (NM_001407590.1, NM_001407591.1); c.4754C>T, p.Pro1585Leu (NM_001407593.1, NM_001407594.1, NM_001407596.1 and 8 more transcripts); c.4751C>T, p.Pro1584Leu (NM_001407610.1, NM_001407611.1, NM_001407612.1 and 17 more transcripts); c.4490C>T, p.Pro1497Leu (NM_001407920.1, NM_001407921.1, NM_001407922.1 and 4 more transcripts); c.4487C>T, p.Pro1496Leu (NM_001407927.1, NM_001407928.1, NM_001407929.1 and 4 more transcripts); and 71 more; short protein forms P479L, P480L, P1288L, P1289L, P1416L, P1431L, P1456L, P1457L.
Identifiers: ClinVar variation 3073181 (VCV003073181.1), dbSNP rs2153872538, ClinGen allele CA10591999.